The following is an entry in ClinVar:

NM_000143.4(FH):c.981C>T (p.Ala327=)

Gene: FH (fumarate hydratase; minus strand). Cytogenetic location: 1q43.
Variant type: single nucleotide variant.
Coding change: c.981C>T on transcript NM_000143.4 (MANE Select); coding-DNA position 981, C replaced by T.
Protein change: p.Ala327=; no amino-acid change (alanine 327 retained).
Molecular consequence: synonymous variant.
Genome position (GRCh38, 1-based): chr1:241,504,169, G>A on the plus strand (C>T on the coding strand, the complement: FH is on the minus strand). VCF-style: chr1-241504169-G-A. GRCh37 (hg19) VCF-style: chr1-241667469-G-A.
Identifiers: ClinVar variation 413611 (VCV000413611.15), dbSNP rs1060504078, ClinGen allele CA16610040.

ClinVar aggregate classification (germline): Benign/Likely benign. Review status: criteria provided, multiple submitters, no conflicts (2 of 4 stars). 3 submissions from 3 submitters: Benign (1); Likely benign (2). Last evaluated 2025-07-08.

Conditions:
Hereditary leiomyomatosis and renal cell cancer. Also called: MULTIPLE CUTANEOUS AND UTERINE LEIOMYOMATA 1, WITH OR WITHOUT RENAL CELL CARCINOMA; Familial leiomyomatosis; LEIOMYOMA, MULTIPLE CUTANEOUS; FH tumor predisposition syndrome; Multiple cutaneous leiomyomas; Reed syndrome. Identifiers: Orphanet 523, MedGen C1708350, MONDO:0007888, OMIM 150800, HP:0007437. Disease mechanism: loss of function.
Hereditary cancer-predisposing syndrome. Also called: Neoplastic Syndromes, Hereditary; Hereditary Cancer Syndrome; Hereditary neoplastic syndrome; Tumor predisposition. Identifiers: Orphanet 140162, MedGen C0027672, MeSH D009386, MONDO:0015356.

Allele frequency attached by ClinVar (database versions not stated): gnomAD exomes below 0.00001.
gnomAD v4.1: 1 of 1,614,164 alleles (0.000062%); highest among the groups gnomAD compares: Non-Finnish European, 0.000085%; no homozygotes.

Submissions (3):

Labcorp Genetics (formerly Invitae), Labcorp
Classification: Likely benign. Last evaluated: 2025-07-08. Review status: criteria provided, single submitter. Criteria: Invitae Variant Classification Sherloc (09022015). Collection method: clinical testing. Allele origin: germline.

Myriad Genetics, Inc.
Classification: Benign for Hereditary leiomyomatosis and renal cell cancer. Last evaluated: 2024-10-18. Review status: criteria provided, single submitter. Criteria: Myriad Autosomal Dominant, Autosomal Recessive and X-Linked Classification Criteria (2023). Collection method: clinical testing. Allele origin: unknown.
Comment: This variant is considered benign. This variant is a silent/synonymous amino acid change and it is not expected to impact splicing.

Ambry Genetics
Classification: Likely benign for Hereditary cancer-predisposing syndrome. Last evaluated: 2017-10-18. Review status: criteria provided, single submitter. Criteria: Ambry Variant Classification Scheme 2023. Collection method: clinical testing. Allele origin: germline.